The following is an entry in ClinVar:

NM_205861.3(DHDDS):c.750C>A (p.Asn250Lys)

Gene: DHDDS (dehydrodolichyl diphosphate synthase subunit; plus strand). Cytogenetic location: 1p36.11.
Variant type: single nucleotide variant.
Coding change: c.750C>A on transcript NM_205861.3 (MANE Select); coding-DNA position 750, C replaced by A.
Protein change: p.Asn250Lys; replaces asparagine 250 with lysine.
Molecular consequence: missense variant.
Genome position (GRCh38, 1-based): chr1:26,460,129, C>A. VCF-style: chr1-26460129-C-A. GRCh37 (hg19) VCF-style: chr1-26786620-C-A.
Other names: c.648C>A, p.Asn216Lys (NM_001243564.2); c.633C>A, p.Asn211Lys (NM_001243565.2); c.471C>A, p.Asn157Lys (NM_001319959.2); c.750C>A, p.Asn250Lys (NM_024887.4); c.750C>A (NM_024887.3); short protein forms N157K, N211K, N216K, N250K.
Identifiers: ClinVar variation 2137936 (VCV002137936.3), dbSNP rs373118655, ClinGen allele CA705440.

ClinVar aggregate classification (germline): Uncertain significance. Review status: criteria provided, multiple submitters, no conflicts (2 of 4 stars). 2 submissions from 2 submitters: Uncertain significance (2). Last evaluated 2024-10-14.

Conditions:
Retinitis pigmentosa 59 (RP59). Identifiers: Orphanet 791, MedGen C3151227, MONDO:0013468, OMIM 613861.
Inborn genetic diseases. Identifiers: MedGen C0950123, MeSH D030342.

Allele frequency attached by ClinVar (database versions not stated): ExAC 0.00002; gnomAD 0.00003; ESP Exome Variant Server 0.00015.
gnomAD v4.1: 42 of 1,613,542 alleles (0.0026%); highest among the groups gnomAD compares: Non-Finnish European, 0.0032%; no homozygotes.

Submissions (2):

Labcorp Genetics (formerly Invitae), Labcorp
Classification: Uncertain significance for Retinitis pigmentosa 59. Last evaluated: 2024-10-14. Review status: criteria provided, single submitter. Criteria: Invitae Variant Classification Sherloc (09022015). Collection method: clinical testing. Allele origin: germline.
Comment: This sequence change replaces asparagine, which is neutral and polar, with lysine, which is basic and polar, at codon 250 of the DHDDS protein (p.Asn250Lys). This variant is present in population databases (rs373118655, gnomAD 0.004%). This variant has not been reported in the literature in individuals affected with DHDDS-related conditions. ClinVar contains an entry for this variant (Variation ID: 2137936). Invitae Evidence Modeling of protein sequence and biophysical properties (such as structural, functional, and spatial information, amino acid conservation, physicochemical variation, residue mobility, and thermodynamic stability) indicates that this missense variant is not expected to disrupt DHDDS protein function with a negative predictive value of 80%. In summary, the available evidence is currently insufficient to determine the role of this variant in disease. Therefore, it has been classified as a Variant of Uncertain Significance.

Ambry Genetics
Classification: Uncertain significance for Inborn genetic diseases. Last evaluated: 2024-09-02. Review status: criteria provided, single submitter. Criteria: Ambry Variant Classification Scheme 2023. Collection method: clinical testing. Allele origin: germline.